The following is an entry in ClinVar:

ClinVar aggregate classification (germline): Uncertain significance. Review status: criteria provided, multiple submitters, no conflicts (2 of 4 stars). 4 submissions from 4 submitters: Uncertain significance (4). Last evaluated 2025-06-23.

Conditions:
Hereditary nonpolyposis colon cancer (HNPCC). Also called: Hereditary nonpolyposis colorectal cancer; Familial nonpolyposis colon cancer; Hereditary Nonpolyposis Colorectal Cancer Syndrome. Identifiers: Orphanet 443909, MedGen C1333990, MONDO:0018630. Disease mechanism: loss of function.
Hereditary cancer-predisposing syndrome. Also called: Tumor predisposition; Hereditary Cancer Syndrome; Neoplastic Syndromes, Hereditary; Hereditary neoplastic syndrome. Identifiers: Orphanet 140162, MedGen C0027672, MeSH D009386, MONDO:0015356.

Allele frequency attached by ClinVar (database versions not stated): ExAC 0.00002; gnomAD 0.00002; gnomAD exomes 0.00002 and 0.00004; TOPMed 0.00002.
gnomAD v4.1: 64 of 1,614,104 alleles (0.004%); highest among the groups gnomAD compares: Non-Finnish European, 0.0049%; no homozygotes.

Submissions (4):

Labcorp Genetics (formerly Invitae), Labcorp
Classification: Uncertain significance. Last evaluated: 2025-06-23. Review status: criteria provided, single submitter. Criteria: Invitae Variant Classification Sherloc (09022015). Collection method: clinical testing. Allele origin: germline.
Comment: This sequence change replaces arginine, which is basic and polar, with cysteine, which is neutral and slightly polar, at codon 300 of the CTNNA1 protein (p.Arg300Cys). This variant is present in population databases (rs765248090, gnomAD 0.01%). This variant has not been reported in the literature in individuals affected with CTNNA1-related conditions. ClinVar contains an entry for this variant (Variation ID: 822868). Invitae Evidence Modeling of protein sequence and biophysical properties (such as structural, functional, and spatial information, amino acid conservation, physicochemical variation, residue mobility, and thermodynamic stability) indicates that this missense variant is not expected to disrupt CTNNA1 protein function with a negative predictive value of 80%. In summary, the available evidence is currently insufficient to determine the role of this variant in disease. Therefore, it has been classified as a Variant of Uncertain Significance.

Ambry Genetics
Classification: Uncertain significance for Hereditary cancer-predisposing syndrome. Last evaluated: 2024-06-13. Review status: criteria provided, single submitter. Criteria: Ambry Variant Classification Scheme 2023. Collection method: clinical testing. Allele origin: germline.
Comment: The p.R300C variant (also known as c.898C>T), located in coding exon 6 of the CTNNA1 gene, results from a C to T substitution at nucleotide position 898. The arginine at codon 300 is replaced by cysteine, an amino acid with highly dissimilar properties. This amino acid position is highly conserved in available vertebrate species. In addition, the in silico prediction for this alteration is inconclusive. The evidence for this gene-disease relationship is limited; therefore, the clinical significance of this alteration is unclear.

GeneDx
Classification: Uncertain significance. Last evaluated: 2023-04-03. Review status: criteria provided, single submitter. Criteria: GeneDx Variant Classification Process June 2021. Collection method: clinical testing. Allele origin: germline. Affected: yes.
Comment: In silico analysis supports that this missense variant has a deleterious effect on protein structure/function; Has not been previously published as pathogenic or benign to our knowledge; This variant is associated with the following publications: (PMID: 32682410, 29774524)

Department of Pathology and Laboratory Medicine, Sinai Health System
Classification: Uncertain significance for hereditary nonpolyposis colon cancer. Last evaluated: 2021-07-29. Review status: criteria provided, single submitter. Criteria: ACMG Guidelines, 2015. Collection method: clinical testing. Allele origin: germline. Affected: yes.

NM_001903.5(CTNNA1):c.898C>T (p.Arg300Cys)

Gene: CTNNA1 (catenin alpha 1; plus strand). Cytogenetic location: 5q31.2.
Variant type: single nucleotide variant.
Coding change: c.898C>T on transcript NM_001903.5 (MANE Select); coding-DNA position 898, C replaced by T.
Protein change: p.Arg300Cys; replaces arginine 300 with cysteine.
Molecular consequence: missense variant.
Genome position (GRCh38, 1-based): chr5:138,827,554, C>T. VCF-style: chr5-138827554-C-T. GRCh37 (hg19) VCF-style: chr5-138163243-C-T.
Other names: c.898C>T, p.Arg300Cys (NM_001290307.3, NM_001323982.2, NM_001323983.1 and 3 more transcripts); c.589C>T, p.Arg197Cys (NM_001290309.3); c.529C>T, p.Arg177Cys (NM_001290310.3); short protein forms R177C, R300C, R197C.
Identifiers: ClinVar variation 822868 (VCV000822868.15), dbSNP rs765248090, ClinGen allele CA3431590.